The following is an entry in ClinVar:

NM_000330.4(RS1):c.521G>A (p.Arg174Gln)

Genes: CDKL5 (cyclin dependent kinase like 5; plus strand), RS1 (retinoschisin 1; minus strand). Cytogenetic location: Xp22.13.
Variant type: single nucleotide variant.
Coding change: c.521G>A on transcript NM_000330.4 (MANE Select); coding-DNA position 521, G replaced by A.
Protein change: p.Arg174Gln; replaces arginine 174 with glutamine.
Molecular consequence: missense variant. On other transcripts: intron variant (2).
Genome position (GRCh38, 1-based): chrX:18,644,431, C>T on the plus strand (G>A on the coding strand, the complement: RS1 is on the minus strand). VCF-style: chrX-18644431-C-T. GRCh37 (hg19) VCF-style: chrX-18662551-C-T.
Other names: c.2714-1576C>T (NM_003159.3, NM_001037343.2); short protein forms R174Q.
Identifiers: ClinVar variation 965598 (VCV000965598.8), dbSNP rs765547068, ClinGen allele CA10360631.

ClinVar aggregate classification (germline): Uncertain significance. Review status: criteria provided, multiple submitters, no conflicts (2 of 4 stars). 3 submissions from 3 submitters: Uncertain significance (2). 1 of the submissions does not count toward it. Last evaluated 2025-05-23.

Conditions:
Juvenile retinoschisis (RS1). Also called: X-linked retinoschisis; X-Linked Juvenile Retinoschisis. Identifiers: Orphanet 792, MedGen C3714753, MONDO:0010725, OMIM 312700.
Inborn genetic diseases. Identifiers: MedGen C0950123, MeSH D030342.

Allele frequency attached by ClinVar (database versions not stated): TOPMed 0.00001; gnomAD exomes 0.00002 and 0.00003; gnomAD 0.00003; ExAC 0.00007.
gnomAD v4.1: 26 of 1,209,025 alleles (0.0022%); highest among the groups gnomAD compares: South Asian, 0.018%; no homozygotes.

Submissions (3):

Ambry Genetics
Classification: Uncertain significance for Inborn genetic diseases. Last evaluated: 2025-05-23. Review status: criteria provided, single submitter. Criteria: Ambry Variant Classification Scheme 2023. Collection method: clinical testing. Allele origin: germline.

Labcorp Genetics (formerly Invitae), Labcorp
Classification: Uncertain significance. Last evaluated: 2024-11-05. Review status: criteria provided, single submitter. Criteria: Invitae Variant Classification Sherloc (09022015). Collection method: clinical testing. Allele origin: germline.
Comment: This sequence change replaces arginine, which is basic and polar, with glutamine, which is neutral and polar, at codon 174 of the RS1 protein (p.Arg174Gln). This variant is present in population databases (rs765547068, gnomAD 0.02%). This variant has not been reported in the literature in individuals affected with RS1-related conditions. ClinVar contains an entry for this variant (Variation ID: 965598). An algorithm developed to predict the effect of missense changes on protein structure and function (PolyPhen-2) suggests that this variant is likely to be disruptive. In summary, the available evidence is currently insufficient to determine the role of this variant in disease. Therefore, it has been classified as a Variant of Uncertain Significance.

Natera, Inc.
Classification: Uncertain significance for X-linked retinoschisis. Last evaluated: 2020-01-24. Review status: no assertion criteria provided. Collection method: clinical testing. Allele origin: germline. Not counted in ClinVar's aggregate classification.